The following is an entry in ClinVar:

NM_002088.5(GRIK5):c.2495G>T (p.Arg832Met)

Gene: GRIK5 (glutamate ionotropic receptor kainate type subunit 5; minus strand). Cytogenetic location: 19q13.2.
Variant type: single nucleotide variant.
Coding change: c.2495G>T on transcript NM_002088.5 (MANE Select); coding-DNA position 2495, G replaced by T.
Protein change: p.Arg832Met; replaces arginine 832 with methionine.
Molecular consequence: missense variant.
Genome position (GRCh38, 1-based): chr19:42,003,351, C>A on the plus strand (G>T on the coding strand, the complement: GRIK5 is on the minus strand). VCF-style: chr19-42003351-C-A. GRCh37 (hg19) VCF-style: chr19-42507503-C-A.
Other names: c.2495G>T, p.Arg832Met (NM_001301030.2); c.2495G>T (NM_002088.4); short protein forms R832M.
Identifiers: ClinVar variation 779044 (VCV000779044.7), dbSNP rs150595206, ClinGen allele CA9468104.

ClinVar aggregate classification (germline): Benign. Review status: criteria provided, multiple submitters, no conflicts (2 of 4 stars). 3 submissions from 3 submitters: Benign (2). 1 of the submissions does not count toward it. Last evaluated 2019-12-31.

Conditions:
GRIK5-related disorder. Also called: GRIK5-related condition.

Allele frequency attached by ClinVar (database versions not stated): ESP Exome Variant Server 0.00108; 1000 Genomes Project 0.00439; 1000 Genomes Project 30x 0.00484; TOPMed 0.00758; ExAC 0.00793.
gnomAD v4.1: 4,008 of 1,613,036 alleles (0.25%); highest among the groups gnomAD compares: Admixed American, 6.3%; 187 homozygotes.

Submissions (3):

Labcorp Genetics (formerly Invitae), Labcorp
Classification: Benign. Last evaluated: 2019-12-31. Review status: criteria provided, single submitter. Criteria: Invitae Variant Classification Sherloc (09022015). Collection method: clinical testing. Allele origin: germline.

Breakthrough Genomics
Classification: Benign. Review status: criteria provided, single submitter. Criteria: ACMG Guidelines, 2015. Collection method: not provided. Allele origin: germline. Inheritance: Unknown mechanism. Affected: yes.

PreventionGenetics, part of Exact Sciences
Classification: Benign for GRIK5-related condition. Last evaluated: 2019-06-11. Review status: no assertion criteria provided. Collection method: clinical testing. Allele origin: germline. Not counted in ClinVar's aggregate classification.
Comment: This variant is classified as benign based on ACMG/AMP sequence variant interpretation guidelines (Richards et al. 2015 PMID: 25741868, with internal and published modifications).